The following is an entry in ClinVar:

NM_001267550.2(TTN):c.107377+1G>C

Genes: TTN (titin; minus strand), TTN-AS1 (TTN antisense RNA 1; plus strand). Cytogenetic location: 2q31.2.
Variant type: single nucleotide variant.
Coding change: c.107377+1G>C on transcript NM_001267550.2 (MANE Select); the canonical splice donor site of the intron after coding-DNA position 107377, G replaced by C.
Molecular consequence: splice donor variant.
Genome position (GRCh38, 1-based): chr2:178,528,273, C>G on the plus strand (G>C on the coding strand, the complement: TTN is on the minus strand). VCF-style: chr2-178528273-C-G. GRCh37 (hg19) VCF-style: chr2-179393000-C-G.
Other names: c.80182+1G>C (NM_003319.4); c.80758+1G>C (NM_133437.4); c.80557+1G>C (NM_133432.3); c.99673+1G>C (NM_133378.4); c.102454+1G>C (NM_001256850.1); c.107377+1G>C (NM_001267550.1).
Identifiers: ClinVar variation 949939 (VCV000949939.23), dbSNP rs112188483, ClinGen allele CA60949774.
Genomic context (GRCh38, chr2:178,528,273, plus strand): 5'-AGGCAAAAAAACGATCTAAAGGCCTTAAACATGTAAGGAAGAAGGGTGAGGAGATACTTA[C>G]GAAGGACCATTAAGGAAGCTGTAGCTGAACACTGGCCACGGAAATTTTTGGCCTTAATTG-3'

ClinVar aggregate classification (germline): Pathogenic/Likely pathogenic. Review status: criteria provided, multiple submitters, no conflicts (2 of 4 stars). 6 submissions from 6 submitters: Pathogenic (3); Likely pathogenic (3). Last evaluated 2025-11-05.

Conditions:
Tibial muscular dystrophy (TMD). Also called: Tibial muscular dystrophy, tardive; UDD MYOPATHY; Udd Distal Myopathy – Tibial Muscular Dystrophy. Identifiers: Orphanet 609, MedGen C1838244, MONDO:0010870, OMIM 600334.
Primary dilated cardiomyopathy (DCM). Also called: Dilated Cardiomyopathy. Identifiers: Orphanet 217604, MedGen C0007193, MeSH D002311, MONDO:0005021, HP:0001644. Inheritance: Various modes of inheritance.
Myopathy, myofibrillar, 9, with early respiratory failure (MFM9). Also called: Hereditary myopathy with early respiratory failure; EDSTROM MYOPATHY; MYOPATHY, PROXIMAL, WITH EARLY RESPIRATORY MUSCLE INVOLVEMENT; Myopathy, distal, with early respiratory failure, autosomal dominant. Identifiers: Orphanet 178464, Orphanet 34521, MedGen C1863599, MONDO:0011362, OMIM 603689.
Autosomal recessive limb-girdle muscular dystrophy type 2J (LGMDR10). Also called: Limb-girdle muscular dystrophy, type 2J; MUSCULAR DYSTROPHY, LIMB-GIRDLE, AUTOSOMAL RECESSIVE 10. Identifiers: Orphanet 140922, MedGen C1837342, MONDO:0012127, OMIM 608807.
Centronuclear myopathy (CNM). Also called: Centronuclear myopathy, congenital; Myotubular myopathy. Identifiers: Orphanet 595, MedGen C0175709, MONDO:0018947. Inheritance: All.
Cardiovascular phenotype. Identifiers: MedGen CN230736.
Dilated cardiomyopathy 1G (CMD1G). Identifiers: Orphanet 154, MedGen C1858763, MONDO:0011400, OMIM 604145.
Early-onset myopathy with fatal cardiomyopathy (CMYO5). Also called: CONGENITAL MYOPATHY 5 WITH CARDIOMYOPATHY; Salih Myopathy. Identifiers: Orphanet 289377, MedGen C2673677, MONDO:0012714, OMIM 611705. Disease mechanism: loss of function.
Hypertrophic cardiomyopathy 9. Also called: Familial hypertrophic cardiomyopathy 9. Identifiers: MedGen C1861065, MONDO:0013412, OMIM 613765.

Submissions (6):

Labcorp Genetics (formerly Invitae), Labcorp
Classification: Pathogenic for Dilated cardiomyopathy 1G; Autosomal recessive limb-girdle muscular dystrophy type 2J. Last evaluated: 2025-11-05. Review status: criteria provided, single submitter. Criteria: Invitae Variant Classification Sherloc (09022015). Collection method: clinical testing. Allele origin: germline.
Comment: This sequence change affects a donor splice site in intron 361 of the TTN gene. It is expected to disrupt RNA splicing and likely results in a truncated or disrupted TTN protein. This variant is not present in population databases (gnomAD no frequency). Disruption of this splice site has been observed in individual(s) with clinical features of autosomal recessive limb-girdle muscular dystrophy (PMID: 28716623, 29382405, 29435569). In at least one individual the data is consistent with being in trans (on the opposite chromosome) from a pathogenic variant. It has also been observed to segregate with disease in related individuals. This variant is also known as c.99673+1G>C. ClinVar contains an entry for this variant (Variation ID: 949939). Algorithms developed to predict the effect of sequence changes on RNA splicing suggest that this variant may disrupt the consensus splice site. This variant is located in the M band of TTN (PMID: 25589632). Truncating variants in this region have been previously reported in individuals affected with autosomal dominant or autosomal recessive myopathy and muscular dystrophy (PMID: 18948003, 23975875, 24395473). Truncating variants in this region have also been identified in individuals affected with autosomal dominant dilated cardiomyopathy and/or cardio-related conditions (PMID: 27869827, 32964742, internal data). For these reasons, this variant has been classified as Pathogenic.

Ambry Genetics
Classification: Likely pathogenic for Cardiovascular phenotype. Last evaluated: 2025-07-18. Review status: criteria provided, single submitter. Criteria: Ambry Variant Classification Scheme 2023. Collection method: clinical testing. Allele origin: germline.
Comment: The c.80182+1G>C intronic variant results from a G to C substitution one nucleotide after coding exon 188 of the TTN gene. This exon is located in the M-band region of the N2-B isoform of the titin protein and is constitutively expressed in TTN transcripts (percent spliced in or PSI 100%). This variant (referred to as c.99673+1G>C) co-occurred with a second TTN variant in an individual with features consistent with skeletal myopathy and congestive heart failure (Wu L et al. Can J Neurol Sci, 2018 May;45:262-268). This variant is considered to be rare based on population cohorts in the Genome Aggregation Database (gnomAD). This nucleotide position is highly conserved in available vertebrate species. In silico splice site analysis predicts that this alteration will weaken the native splice donor site. This variant disrupts the canonical splice site and is expected to cause aberrant splicing, resulting in an abnormal protein or a transcript that is subject to nonsense-mediated mRNA decay. While truncating variants (a category that includes canonical splice site variants) in TTN are present in 1-3% of the general population, truncating variants in the M-band have been reported in association with autosomal recessive titinopathies, primarily presenting with skeletal myopathy phenotypes (Ceyhan-Birsoy O et al. Neurology. 2013 Oct 1;81(14):1205-14; De Cid R et al. Neurology. 2015;85(24):2126-35). Truncating variants in coding exon 185 of the M-band of the N2-B isoform have also been specifically associated with autosomal dominant dilated cardiomyopathy (Vatta M et al. Circ GenomPrecis Med. 2025 Feb:e004982). More generally, TTN truncating variants encoded in constitutive exons (PSI >90%) have been found to be significantly associated with dilated cardiomyopathy (DCM) regardless of their position, although truncating variants in the A-band are the most common cause of DCM (Herman DS et al. N. Engl. J. Med., 2012 Feb;366:619-28; Roberts AM et al. Sci Transl Med, 2015 Jan;7:270ra6; Schafer S et al. Nat. Genet., 2017 01;49:46-53; Akhtar MM et al. Circ Heart Fail, 2020 Oct;13:e006832; Massier M et al. Clin Genet, 2025 Jan). Based on the majority of available evidence to date, this variant is likely to be pathogenic.

GeneDx
Classification: Pathogenic. Last evaluated: 2024-05-16. Review status: criteria provided, single submitter. Criteria: GeneDx Variant Classification Process June 2021. Collection method: clinical testing. Allele origin: germline.
Comment: Not observed at significant frequency in large population cohorts (gnomAD); Located in the M-line region of TTN in which the majority of loss of function variants have been associated with autosomal recessive titinopathies (PMID: 17444505); Canonical splice site variant predicted to result in a null allele in a gene for which loss of function is a known mechanism of disease; This variant is associated with the following publications: (PMID: 37407718, 17444505, 29382405)

Athena Diagnostics
Classification: Pathogenic. Last evaluated: 2022-03-16. Review status: criteria provided, single submitter. Criteria: Athena Diagnostics Criteria. Collection method: clinical testing. Allele origin: unknown.
Comment: This variant is expected to severely impact normal RNA splicing, and consequently, protein structure and/or function. This variant has not been reported in large, multi-ethnic general populations. This variant has been identified in at least one individual with myopathy and a second truncating variant in the TTN gene (PMID: 29382405). This variant occurs in the M-band of the TTN gene, and is a canonical splice site variant in three main isoforms (major cardiac long isoform: NM_001256850.1, major skeletal muscle long isoform: NM_133378.4, and the inferred complete isoform: NM_001267550.1). A different canonical splice site variant at this position (c.107377+1G>A) has been reported in combination with a second truncating variant in TTN in multiple individuals with muscular dystrophy and dilated cardiomyopathy, as well as heterozygous in apparently asymptomatic individuals (PMID: 25589632, 28716623, 29435569, 34135346). Truncating variants in the TTN gene occur significantly more often in the M-band of muscular dystrophy patients, and in the A-band of cardiomyopathy patients, compared to the general population (PMID: 255289632).

Fulgent Genetics
Classification: Likely pathogenic for Tibial muscular dystrophy; Myopathy, myofibrillar, 9, with early respiratory failure; Dilated cardiomyopathy 1G; Autosomal recessive limb-girdle muscular dystrophy type 2J; Early-onset myopathy with fatal cardiomyopathy; Hypertrophic cardiomyopathy 9. Last evaluated: 2021-12-03. Review status: criteria provided, single submitter. Criteria: ACMG Guidelines, 2015. Collection method: clinical testing. Allele origin: unknown.

Revvity Omics, Revvity
Classification: Likely pathogenic. Last evaluated: 2019-04-18. Review status: criteria provided, single submitter. Criteria: ACMG Guidelines, 2015. Collection method: clinical testing. Allele origin: germline.

Literature cited by the submitters: PubMed 28716623 (cited by Labcorp Genetics (formerly Invitae), Labcorp and Athena Diagnostics); PubMed 29382405 (cited by 3 submitters); PubMed 29435569 (cited by Labcorp Genetics (formerly Invitae), Labcorp and Athena Diagnostics); PubMed 25589632 (cited by Labcorp Genetics (formerly Invitae), Labcorp and Athena Diagnostics); PubMed 18948003 (cited by Labcorp Genetics (formerly Invitae), Labcorp); PubMed 23975875 (cited by Labcorp Genetics (formerly Invitae), Labcorp); PubMed 24395473 (cited by Labcorp Genetics (formerly Invitae), Labcorp); PubMed 27869827 (cited by Labcorp Genetics (formerly Invitae), Labcorp); PubMed 32964742 (cited by Labcorp Genetics (formerly Invitae), Labcorp); PubMed 34135346 (cited by Athena Diagnostics).